The following is an entry in ClinVar:

ClinVar aggregate classification (germline): Uncertain significance (1 of 4 stars; one submission).

Allele frequency attached by ClinVar (database versions not stated): gnomAD exomes below 0.00001.
gnomAD v4.1: 1 of 1,612,942 alleles (0.000062%); highest among the groups gnomAD compares: Non-Finnish European, 0.000085%; no homozygotes.

Submission:

Labcorp Genetics (formerly Invitae), Labcorp
Classification: Uncertain significance. Last evaluated: 2019-10-13. Review status: criteria provided, single submitter. Criteria: Invitae Variant Classification Sherloc (09022015). Collection method: clinical testing. Allele origin: germline.
Comment: In summary, the available evidence is currently insufficient to determine the role of this variant in disease. Therefore, it has been classified as a Variant of Uncertain Significance. Algorithms developed to predict the effect of missense changes on protein structure and function are either unavailable or do not agree on the potential impact of this missense change (SIFT: "Deleterious"; PolyPhen-2: "Probably Damaging"; Align-GVGD: "Class C0"). This variant has not been reported in the literature in individuals with CTNNA1-related conditions. This variant is not present in population databases (ExAC no frequency). This sequence change replaces methionine with arginine at codon 726 of the CTNNA1 protein (p.Met726Arg). The methionine residue is highly conserved and there is a moderate physicochemical difference between methionine and arginine.

NM_001903.5(CTNNA1):c.2177T>G (p.Met726Arg)

Gene: CTNNA1 (catenin alpha 1; plus strand). Cytogenetic location: 5q31.2.
Variant type: single nucleotide variant.
Coding change: c.2177T>G on transcript NM_001903.5 (MANE Select); coding-DNA position 2177, T replaced by G.
Protein change: p.Met726Arg; replaces methionine 726 with arginine.
Molecular consequence: missense variant.
Genome position (GRCh38, 1-based): chr5:138,930,639, T>G. VCF-style: chr5-138930639-T-G. GRCh37 (hg19) VCF-style: chr5-138266328-T-G.
Other names: c.2177T>G, p.Met726Arg (NM_001290307.3, NM_001323982.2, NM_001323983.1 and 2 more transcripts); c.1868T>G, p.Met623Arg (NM_001290309.3); c.1808T>G, p.Met603Arg (NM_001290310.3); c.1067T>G, p.Met356Arg (NM_001290312.1, NM_001323987.1, NM_001323988.1 and 17 more transcripts); c.2084T>G, p.Met695Arg (NM_001323986.2); c.728T>G, p.Met243Arg (NM_001324006.1, NM_001324007.1, NM_001324008.1 and 2 more transcripts); c.974T>G, p.Met325Arg (NM_001324011.1); c.824T>G, p.Met275Arg (NM_001324012.1, NM_001324013.1); short protein forms M356R, M623R, M275R, M325R, M603R, M695R, M726R, M243R.
Identifiers: ClinVar variation 960715 (VCV000960715.9), dbSNP rs1765096205, ClinGen allele CA361133696.